The following is an entry in ClinVar:

ClinVar aggregate classification (germline): Likely benign. Review status: criteria provided, multiple submitters, no conflicts (2 of 4 stars). 3 submissions from 3 submitters: Likely benign (3). Last evaluated 2025-02-13.

Conditions:
Charcot-Marie-Tooth disease axonal type 2P. Also called: CHARCOT-MARIE-TOOTH NEUROPATHY, TYPE 2P; Charcot-Marie-Tooth Neuropathy Type 2G; CHARCOT-MARIE-TOOTH DISEASE, AXONAL, TYPE 2G; CMT 2G. Identifiers: Orphanet 300319, Orphanet 99941, MedGen C3280797, MONDO:0013753, OMIM 614436.

Allele frequency attached by ClinVar (database versions not stated): gnomAD 0.00001 and 0.00004; TOPMed 0.00002; gnomAD exomes 0.00005; ExAC 0.00006.
gnomAD v4.1: 80 of 1,614,012 alleles (0.005%); highest among the groups gnomAD compares: South Asian, 0.042%; no homozygotes.

Submissions (3):

Labcorp Genetics (formerly Invitae), Labcorp
Classification: Likely benign for Charcot-Marie-Tooth disease axonal type 2P. Last evaluated: 2025-02-13. Review status: criteria provided, single submitter. Criteria: Invitae Variant Classification Sherloc (09022015). Collection method: clinical testing. Allele origin: germline.

Blueprint Genetics
Classification: Likely benign. Last evaluated: 2024-07-10. Review status: criteria provided, single submitter. Criteria: ACMG Guidelines, 2015. Collection method: clinical testing. Allele origin: germline.

CeGaT Center for Human Genetics Tuebingen
Classification: Likely benign. Last evaluated: 2022-10-01. Review status: criteria provided, single submitter. Criteria: CeGaT Center For Human Genetics Tuebingen Variant Classification Criteria Version 2. Collection method: clinical testing. Allele origin: germline. Affected: yes. Observed: 1 variant allele.
Comment: LRSAM1: BP4, BP7

NM_001005373.4(LRSAM1):c.102C>T (p.Leu34=)

Gene: LRSAM1 (leucine rich repeat and sterile alpha motif containing 1; plus strand). Cytogenetic location: 9q33.3.
Variant type: single nucleotide variant.
Coding change: c.102C>T on transcript NM_001005373.4 (MANE Select); coding-DNA position 102, C replaced by T.
Protein change: p.Leu34=; no amino-acid change (leucine 34 retained).
Molecular consequence: synonymous variant. On other transcripts: 5 prime UTR variant (1), non-coding transcript variant (2).
Genome position (GRCh38, 1-based): chr9:127,455,027, C>T. VCF-style: chr9-127455027-C-T. GRCh37 (hg19) VCF-style: chr9-130217306-C-T.
Other names: c.102C>T, p.Leu34= (NM_001005374.4, NM_001190723.3, NM_001384142.1 and 2 more transcripts); c.-683C>T (NM_001384144.1).
Identifiers: ClinVar variation 701063 (VCV000701063.34), dbSNP rs762785076, ClinGen allele CA5246378.